The following is an entry in ClinVar:

ClinVar aggregate classification (germline): Pathogenic (1 of 4 stars; one submission).

Conditions:
DDX41-related hematologic malignancy predisposition syndrome. Also called: DDX41-Associated Familial Myelodysplastic Syndrome and Acute Myeloid Leukemia; Myeloproliferative/lymphoproliferative neoplasms, familial (multiple types), susceptibility to. Identifiers: Orphanet 488647, MedGen C4225174, MONDO:0014809, OMIM 616871.

Submission:

Saint-Louis Hospital, Assistance Publique Hôpitaux de Paris
Classification: Pathogenic for DDX41-related hematologic malignancy predisposition syndrome. Last evaluated: 2025-05-13. Review status: criteria provided, single submitter. Criteria: ACMG Guidelines, 2015. Collection method: clinical testing. Allele origin: germline. Affected: yes.
Comment: The variant DDX41(NM_016222.4):c.547T>A:p.(Phe183Ile) is absent from control population database, is predicted pathogene according to in-silico predictors. It has been reported in individuals with suspected or confirmed predisposition to myeloid malignancies (Polprasert et al.2020, PMID: 31713024)

Literature cited by the submitters: PubMed 31713024.

NM_016222.4(DDX41):c.547T>A (p.Phe183Ile)

Gene: DDX41 (DEAD-box helicase 41; minus strand). Cytogenetic location: 5q35.3.
Variant type: single nucleotide variant.
Coding change: c.547T>A on transcript NM_016222.4 (MANE Select); coding-DNA position 547, T replaced by A.
Protein change: p.Phe183Ile; replaces phenylalanine 183 with isoleucine.
Molecular consequence: missense variant.
Genome position (GRCh38, 1-based): chr5:177,515,709, A>T on the plus strand (T>A on the coding strand, the complement: DDX41 is on the minus strand). VCF-style: chr5-177515709-A-T. GRCh37 (hg19) VCF-style: chr5-176942710-A-T.
Other names: c.169T>A, p.Phe57Ile (NM_001321732.2, NM_001321830.2); short protein forms F183I, F57I.
Identifiers: ClinVar variation 3899306 (VCV003899306.1).
Genomic context (GRCh38, chr5:177,515,709, plus strand): 5'-ATAAAAGTGTGGTATCTCTCTCCAGCCCCTGACTACCTGCAGGAAACTTCATTTCCTTGA[A>T]GCTCTTGATGGGTGGTGGGATACCGTCTCCCTCCACCAGGATGTGGTATTTCTTCCGCAC-3'
Protein context (NP_057306.2, residues 173-193): GDGIPPPIKS[Phe183Ile]KEMKFPAAIL